The following is an entry in ClinVar:

NM_001379210.1(SLC25A26):c.33+37C>T

Gene: SLC25A26 (solute carrier family 25 member 26; plus strand). Cytogenetic location: 3p14.1.
Variant type: single nucleotide variant.
Coding change: c.33+37C>T on transcript NM_001379210.1 (MANE Select); 37 bases into the intron after coding-DNA position 33, C replaced by T.
Molecular consequence: intron variant.
Genome position (GRCh38, 1-based): chr3:66,221,164, C>T. VCF-style: chr3-66221164-C-T. GRCh37 (hg19) VCF-style: chr3-66271590-C-T.
Other names: c.33+37C>T (NM_173471.4); c.-319+37C>T (NM_001350993.1); c.-75+37C>T (NM_001164796.1).
Identifiers: ClinVar variation 673258 (VCV000673258.1), dbSNP rs141327145, ClinGen allele CA2483588.
Genomic context (GRCh38, chr3:66,221,164, plus strand): 5'-CCGGGGTTCGTGGCAGCGCTGGTGGTGAGTGCGGGGCGGTGGGGTGGGTTGCTCAGAGTG[C>T]CGGCGTCCGGCATTGGAGCCCGCGGGCGTTCTCTGCACTGGTTTTCTTCCGGTTTTGCGG-3'

ClinVar aggregate classification (germline): Benign (1 of 4 stars; one submission).

Allele frequency attached by ClinVar (database versions not stated): gnomAD exomes 0.00194 and 0.00449; ExAC 0.00715; ESP Exome Variant Server 0.01883; gnomAD 0.02083 and 0.02227; TOPMed 0.02321; 1000 Genomes Project 0.02476; 1000 Genomes Project 30x 0.02577.
gnomAD v4.1: 5,894 of 1,499,026 alleles (0.39%); highest among the groups gnomAD compares: African/African-American, 7.3%; 193 homozygotes.

Submission:

GeneDx
Classification: Benign. Last evaluated: 2018-06-14. Review status: criteria provided, single submitter. Criteria: GeneDx Variant Classification (06012015). Collection method: clinical testing. Allele origin: germline. Affected: yes.
Comment: This variant is considered likely benign or benign based on one or more of the following criteria: it is a conservative change, it occurs at a poorly conserved position in the protein, it is predicted to be benign by multiple in silico algorithms, and/or has population frequency not consistent with disease.